The following is an entry in ClinVar:

ClinVar aggregate classification (germline): Pathogenic. Review status: criteria provided, multiple submitters, no conflicts (2 of 4 stars). 3 submissions from 3 submitters: Pathogenic (3). Last evaluated 2024-11-24.

Conditions:
Glycogen storage disease type III (GSD3). Also called: FORBES DISEASE; Cori disease. Identifiers: Orphanet 366, MedGen C0017922, MONDO:0009291, OMIM 232400.

Submissions (3):

Myriad Genetics, Inc.
Classification: Pathogenic for Glycogen storage disease type III. Last evaluated: 2024-11-24. Review status: criteria provided, single submitter. Criteria: Myriad Autosomal Dominant, Autosomal Recessive and X-Linked Classification Criteria (2023). Collection method: clinical testing. Allele origin: unknown.
Comment: NM_000642.2(AGL):c.576T>G(Y192*) is expected to be pathogenic in the context of glycogen storage disease type III. This variant is predicted to lead to an abnormal or absent protein product due to the creation of a premature termination codon in AGL, a gene where loss-of-function variants are known to be pathogenic. Please note: this variant was assessed in the context of healthy population screening.

Labcorp Genetics (formerly Invitae), Labcorp
Classification: Pathogenic for Glycogen storage disease type III. Last evaluated: 2023-02-22. Review status: criteria provided, single submitter. Criteria: Invitae Variant Classification Sherloc (09022015). Collection method: clinical testing. Allele origin: germline.
Comment: This variant has not been reported in the literature in individuals affected with AGL-related conditions. For these reasons, this variant has been classified as Pathogenic. Algorithms developed to predict the effect of sequence changes on RNA splicing suggest that this variant may disrupt the consensus splice site. ClinVar contains an entry for this variant (Variation ID: 801521). This variant is not present in population databases (gnomAD no frequency). This sequence change creates a premature translational stop signal (p.Tyr192*) in the AGL gene. It is expected to result in an absent or disrupted protein product. Loss-of-function variants in AGL are known to be pathogenic (PMID: 19299494).

Mendelics
Classification: Pathogenic for Glycogen storage disease type III. Last evaluated: 2019-05-28. Review status: criteria provided, single submitter. Criteria: Mendelics Assertion Criteria 2017. Collection method: clinical testing. Allele origin: unknown.

Literature cited by the submitters: PubMed 19299494 (cited by Labcorp Genetics (formerly Invitae), Labcorp).

NM_000642.3(AGL):c.576T>G (p.Tyr192Ter)

Gene: AGL (amylo-alpha-1,6-glucosidase and 4-alpha-glucanotransferase; plus strand). Cytogenetic location: 1p21.2.
Variant type: single nucleotide variant.
Coding change: c.576T>G on transcript NM_000642.3 (MANE Select); coding-DNA position 576, T replaced by G.
Protein change: p.Tyr192Ter; replaces tyrosine 192 with a stop codon.
Molecular consequence: nonsense.
Genome position (GRCh38, 1-based): chr1:99,864,501, T>G. VCF-style: chr1-99864501-T-G. GRCh37 (hg19) VCF-style: chr1-100330057-T-G.
Other names: c.576T>G, p.Tyr192Ter (NM_000028.3, NM_000643.3, NM_000644.3 and 3 more transcripts); c.528T>G, p.Tyr176Ter (NM_000646.3); c.198T>G, p.Tyr66Ter (NM_001425332.1); short protein forms Y176*, Y192*, Y66*.
Identifiers: ClinVar variation 801521 (VCV000801521.5), dbSNP rs1571232325, ClinGen allele CA341335951.